The following is an entry in ClinVar:

ClinVar aggregate classification (germline): Uncertain significance (1 of 4 stars; one submission).

Conditions:
Schuurs-Hoeijmakers syndrome. Also called: PACS1-Related Neurodevelopmental Disorder. Identifiers: Orphanet 329224, MedGen C3554343, MONDO:0014006, OMIM 615009.

Submission:

Labcorp Genetics (formerly Invitae), Labcorp
Classification: Uncertain significance for Schuurs-Hoeijmakers syndrome. Last evaluated: 2024-04-10. Review status: criteria provided, single submitter. Criteria: Invitae Variant Classification Sherloc (09022015). Collection method: clinical testing. Allele origin: germline.
Comment: This sequence change falls in intron 13 of the PACS1 gene. It does not directly change the encoded amino acid sequence of the PACS1 protein. It affects a nucleotide within the consensus splice site. This variant is not present in population databases (gnomAD no frequency). This variant has not been reported in the literature in individuals affected with PACS1-related conditions. Variants that disrupt the consensus splice site are a relatively common cause of aberrant splicing (PMID: 17576681, 9536098). Algorithms developed to predict the effect of sequence changes on RNA splicing suggest that this variant is not likely to affect RNA splicing. In summary, the available evidence is currently insufficient to determine the role of this variant in disease. Therefore, it has been classified as a Variant of Uncertain Significance.

Literature cited by the submitters: PubMed 17576681; PubMed 9536098.

NM_018026.4(PACS1):c.1626+6T>C

Gene: PACS1 (phosphofurin acidic cluster sorting protein 1; plus strand). Cytogenetic location: 11q13.2.
Variant type: single nucleotide variant.
Coding change: c.1626+6T>C on transcript NM_018026.4 (MANE Select); 6 bases into the intron after coding-DNA position 1626, T replaced by C.
Molecular consequence: intron variant.
Genome position (GRCh38, 1-based): chr11:66,230,946, T>C. VCF-style: chr11-66230946-T-C. GRCh37 (hg19) VCF-style: chr11-65998417-T-C.
Identifiers: ClinVar variation 2841291 (VCV002841291.3), dbSNP rs2495581984, ClinGen allele CA2574883824.